The following is an entry in ClinVar:

ClinVar aggregate classification (germline): Likely benign (1 of 4 stars; one submission).

gnomAD v4.1: 38 of 1,614,076 alleles (0.0024%); highest among the groups gnomAD compares: Admixed American, 0.063%; no homozygotes.

Submission:

CeGaT Center for Human Genetics Tuebingen
Classification: Likely benign. Last evaluated: 2026-06-01. Review status: criteria provided, single submitter. Criteria: CeGaT Center For Human Genetics Tuebingen Variant Classification Criteria Version 2. Collection method: clinical testing. Allele origin: germline. Affected: yes. Observed: 1 variant allele.
Comment: VANGL2: BP4, BP7

NM_020335.3(VANGL2):c.1209G>A (p.Gln403=)

Gene: VANGL2 (VANGL planar cell polarity protein 2; plus strand). Cytogenetic location: 1q23.2.
Variant type: single nucleotide variant.
Coding change: c.1209G>A on transcript NM_020335.3 (MANE Select); coding-DNA position 1209, G replaced by A.
Protein change: p.Gln403=; no amino-acid change (glutamine 403 retained).
Molecular consequence: synonymous variant.
Genome position (GRCh38, 1-based): chr1:160,424,187, G>A. VCF-style: chr1-160424187-G-A. GRCh37 (hg19) VCF-style: chr1-160393977-G-A.
Identifiers: ClinVar variation 4874411 (VCV004874411.2).
Genomic context (GRCh38, chr1:160,424,187, plus strand): 5'-GGTGATGGACCCCCGGGAGGCAGCCCAAGCCATCTTTGCATCCATGGCCCGTGCCATGCA[G>A]AAGTACCTTCGGACCACCAAGCAGCAGCCCTACCACACCATGGAGAGCATCCTGCAGCAC-3'
Protein context (NP_065068.1, residues 393-413): AIFASMARAM[Gln403=]KYLRTTKQQP